The following is an entry in ClinVar:

NM_006063.3(KLHL41):c.197T>C (p.Ile66Thr)

Gene: KLHL41 (kelch like family member 41; plus strand). Cytogenetic location: 2q31.1.
Variant type: single nucleotide variant.
Coding change: c.197T>C on transcript NM_006063.3 (MANE Select); coding-DNA position 197, T replaced by C.
Protein change: p.Ile66Thr; replaces isoleucine 66 with threonine.
Molecular consequence: missense variant.
Genome position (GRCh38, 1-based): chr2:169,509,975, T>C. VCF-style: chr2-169509975-T-C. GRCh37 (hg19) VCF-style: chr2-170366485-T-C.
Other names: short protein forms I66T.
Identifiers: ClinVar variation 474869 (VCV000474869.16), dbSNP rs116809051, ClinGen allele CA1956460.

ClinVar aggregate classification (germline): Likely benign. Review status: criteria provided, multiple submitters, no conflicts (2 of 4 stars). 3 submissions from 3 submitters: Likely benign (2). 1 of the submissions does not count toward it. Last evaluated 2026-02-01.

Conditions:
Nemaline myopathy 9 (NEM9). Identifiers: MedGen C3810384, MONDO:0014326, OMIM 615731.
KLHL41-related disorder. Also called: KLHL41-related condition.

Allele frequency attached by ClinVar (database versions not stated): ExAC 0.00083; TOPMed 0.00131; gnomAD 0.00133 and 0.00138; ESP Exome Variant Server 0.00154; 1000 Genomes Project 0.00160; 1000 Genomes Project 30x 0.00187.
gnomAD v4.1: 781 of 1,614,112 alleles (0.048%); highest among the groups gnomAD compares: African/African-American, 0.31%; 1 homozygote.

Submissions (3):

Labcorp Genetics (formerly Invitae), Labcorp
Classification: Likely benign for Nemaline myopathy 9. Last evaluated: 2026-02-01. Review status: criteria provided, single submitter. Criteria: Invitae Variant Classification Sherloc (09022015). Collection method: clinical testing. Allele origin: germline.

GeneDx
Classification: Likely benign. Last evaluated: 2021-04-19. Review status: criteria provided, single submitter. Criteria: GeneDx Variant Classification Process June 2021. Collection method: clinical testing. Allele origin: germline. Affected: yes.

PreventionGenetics, part of Exact Sciences
Classification: Benign for KLHL41-related condition. Last evaluated: 2019-06-28. Review status: no assertion criteria provided. Collection method: clinical testing. Allele origin: germline. Not counted in ClinVar's aggregate classification.
Comment: This variant is classified as benign based on ACMG/AMP sequence variant interpretation guidelines (Richards et al. 2015 PMID: 25741868, with internal and published modifications).